The following is an entry in ClinVar:

NM_001844.5(COL2A1):c.4057A>G (p.Ile1353Val)

Gene: COL2A1 (collagen type II alpha 1 chain; minus strand). Cytogenetic location: 12q13.11.
Variant type: single nucleotide variant.
Coding change: c.4057A>G on transcript NM_001844.5 (MANE Select); coding-DNA position 4057, A replaced by G.
Protein change: p.Ile1353Val; replaces isoleucine 1353 with valine.
Molecular consequence: missense variant.
Genome position (GRCh38, 1-based): chr12:47,974,692, T>C on the plus strand (A>G on the coding strand, the complement: COL2A1 is on the minus strand). VCF-style: chr12-47974692-T-C. GRCh37 (hg19) VCF-style: chr12-48368475-T-C.
Other names: c.3850A>G, p.Ile1284Val (NM_033150.3); short protein forms I1284V, I1353V.
Identifiers: ClinVar variation 2738028 (VCV002738028.3), dbSNP rs1938606725, ClinGen allele CA384535382.
Genomic context (GRCh38, chr12:47,974,692, plus strand): 5'-AGGAGCCATCTCTGCTCATCATCTAGGGCACCCAGGTACTCACATGGAAGCCACCATTGA[T>C]GGTTTCTCCAAACCAGATGTGTTTCTTCTCCTTGCTCTTGCTGCTCCACCAGTTCTTCTT-3'
Protein context (NP_001835.3, residues 1343-1363): EKKHIWFGET[Ile1353Val]NGGFHFSYGD

ClinVar aggregate classification (germline): Uncertain significance (1 of 4 stars; one submission).

Allele frequency attached by ClinVar (database versions not stated): gnomAD exomes below 0.00001.

Submission:

Labcorp Genetics (formerly Invitae), Labcorp
Classification: Uncertain significance. Last evaluated: 2023-12-04. Review status: criteria provided, single submitter. Criteria: Invitae Variant Classification Sherloc (09022015). Collection method: clinical testing. Allele origin: germline.
Comment: This sequence change replaces isoleucine, which is neutral and non-polar, with valine, which is neutral and non-polar, at codon 1353 of the COL2A1 protein (p.Ile1353Val). This variant is not present in population databases (gnomAD no frequency). This variant has not been reported in the literature in individuals affected with COL2A1-related conditions. Advanced modeling of protein sequence and biophysical properties (such as structural, functional, and spatial information, amino acid conservation, physicochemical variation, residue mobility, and thermodynamic stability) performed at Invitae indicates that this missense variant is not expected to disrupt COL2A1 protein function with a negative predictive value of 95%. In summary, the available evidence is currently insufficient to determine the role of this variant in disease. Therefore, it has been classified as a Variant of Uncertain Significance.